The following is an entry in ClinVar:

ClinVar aggregate classification (germline): Uncertain significance (1 of 4 stars; one submission).

Conditions:
Rubinstein-Taybi syndrome due to EP300 haploinsufficiency. Also called: RUBINSTEIN-TAYBI SYNDROME 2; EP300-Related Rubinstein-Taybi Syndrome. Identifiers: Orphanet 353284, Orphanet 783, MedGen C3150941, MONDO:0013364, OMIM 613684.

Submission:

Labcorp Genetics (formerly Invitae), Labcorp
Classification: Uncertain significance for Rubinstein-Taybi syndrome due to EP300 haploinsufficiency. Last evaluated: 2025-10-06. Review status: criteria provided, single submitter. Criteria: Invitae Variant Classification Sherloc (09022015). Collection method: clinical testing. Allele origin: germline.
Comment: This variant, c.5626_5631del, results in the deletion of 2 amino acid(s) of the EP300 protein (p.Gln1876_Pro1877del), but otherwise preserves the integrity of the reading frame. This variant is present in population databases (rs767178802, gnomAD 0.007%). This variant has not been reported in the literature in individuals affected with EP300-related conditions. Experimental studies and prediction algorithms are not available or were not evaluated, and the functional significance of this variant is currently unknown. In summary, the available evidence is currently insufficient to determine the role of this variant in disease. Therefore, it has been classified as a Variant of Uncertain Significance.

NM_001429.4(EP300):c.5620CAGCCT[1] (p.1874QP[1])

Gene: EP300 (EP300 lysine acetyltransferase; plus strand). Cytogenetic location: 22q13.2.
Variant type: Microsatellite.
Coding change: c.5620CAGCCT[1] on transcript NM_001429.4 (MANE Select); one copy of the 6-base unit CAGCCT starting at c.5620; the reference has two copies in a row; one copy, 6 bases deleted.
Protein change: p.1874QP[1].
Molecular consequence: inframe deletion.
Genome position (GRCh38, 1-based): chr22:41,177,337-41,177,342, CAGCCT deleted; deleting any 6 consecutive bases within chr22:41,177,329-41,177,342 gives the same sequence; the position shown is the placement nearest the transcript's 3' end. VCF-style (leftmost placement, unchanged base first): chr22-41177328-TCTCAGC-T. GRCh37 (hg19) VCF-style: chr22-41573332-TCTCAGC-T.
Other names: c.5542CAGCCT[1], p.1848QP[1] (NM_001362843.2).
Identifiers: ClinVar variation 2724112 (VCV002724112.3), dbSNP rs767178802, ClinGen allele CA10253667.